The following is an entry in ClinVar:

NM_182914.3(SYNE2):c.18282C>A (p.Ser6094=)

Gene: SYNE2 (spectrin repeat containing nuclear envelope protein 2; plus strand). Cytogenetic location: 14q23.2.
Variant type: single nucleotide variant.
Coding change: c.18282C>A on transcript NM_182914.3 (MANE Select); coding-DNA position 18282, C replaced by A.
Protein change: p.Ser6094=; no amino-acid change (serine 6094 retained).
Molecular consequence: synonymous variant.
Genome position (GRCh38, 1-based): chr14:64,208,838, C>A. VCF-style: chr14-64208838-C-A. GRCh37 (hg19) VCF-style: chr14-64675556-C-A.
Other names: c.18282C>A, p.Ser6094= (NM_015180.6).
Identifiers: ClinVar variation 3025450 (VCV003025450.22), dbSNP rs201056822, ClinGen allele CA486710360.

ClinVar aggregate classification (germline): Likely benign (1 of 4 stars; one submission).

gnomAD v4.1: 3 of 1,614,198 alleles (0.00019%); highest among the groups gnomAD compares: South Asian, 0.0033%; no homozygotes.

Submission:

CeGaT Center for Human Genetics Tuebingen
Classification: Likely benign. Last evaluated: 2024-01-01. Review status: criteria provided, single submitter. Criteria: CeGaT Center For Human Genetics Tuebingen Variant Classification Criteria Version 2. Collection method: clinical testing. Allele origin: germline. Affected: yes. Observed: 1 variant allele.
Comment: SYNE2: BP4, BP7